The following is an entry in ClinVar:

ClinVar aggregate classification (germline): Uncertain significance (1 of 4 stars; one submission).

Conditions:
Hereditary cancer-predisposing syndrome. Also called: Hereditary neoplastic syndrome; Neoplastic Syndromes, Hereditary; Tumor predisposition; Hereditary Cancer Syndrome. Identifiers: Orphanet 140162, MedGen C0027672, MeSH D009386, MONDO:0015356.

Submission:

Labcorp Genetics (formerly Invitae), Labcorp
Classification: Uncertain significance for Hereditary cancer-predisposing syndrome. Last evaluated: 2019-03-11. Review status: criteria provided, single submitter. Criteria: Invitae Variant Classification Sherloc (09022015). Collection method: clinical testing. Allele origin: germline.
Comment: In summary, the available evidence is currently insufficient to determine the role of this variant in disease. Therefore, it has been classified as a Variant of Uncertain Significance. Algorithms developed to predict the effect of sequence changes on RNA splicing suggest that this variant may create or strengthen a splice site, but this prediction has not been confirmed by published transcriptional studies. Algorithms developed to predict the effect of missense changes on protein structure and function (SIFT, PolyPhen-2, Align-GVGD) all suggest that this variant is likely to be tolerated, but these predictions have not been confirmed by published functional studies and their clinical significance is uncertain. This variant has not been reported in the literature in individuals with RAD50-related conditions. This variant is not present in population databases (ExAC no frequency). This sequence change replaces methionine with isoleucine at codon 795 of the RAD50 protein (p.Met795Ile). The methionine residue is moderately conserved and there is a small physicochemical difference between methionine and isoleucine.

NM_005732.4(RAD50):c.2385G>A (p.Met795Ile)

Gene: RAD50 (RAD50 double strand break repair protein; plus strand). Cytogenetic location: 5q31.1.
Variant type: single nucleotide variant.
Coding change: c.2385G>A on transcript NM_005732.4 (MANE Select); coding-DNA position 2385, G replaced by A.
Protein change: p.Met795Ile; replaces methionine 795 with isoleucine.
Molecular consequence: missense variant.
Genome position (GRCh38, 1-based): chr5:132,603,477, G>A. VCF-style: chr5-132603477-G-A. GRCh37 (hg19) VCF-style: chr5-131939169-G-A.
Other names: short protein forms M795I.
Identifiers: ClinVar variation 834348 (VCV000834348.10), dbSNP rs1750925728, ClinGen allele CA360955069.